The following is an entry in ClinVar:

ClinVar aggregate classification (germline): Likely benign (1 of 4 stars; one submission).

Conditions:
Hyperglycinuria. Also called: GLYCINURIA WITH OR WITHOUT OXALATE NEPHROLITHIASIS; GLYCINURIA WITH OR WITHOUT OXALATE UROLITHIASIS; IMINOGLYCINURIA TYPE II. Identifiers: MedGen C0543541, MONDO:0007677, OMIM 138500, HP:0003108.

Allele frequency attached by ClinVar (database versions not stated): gnomAD 0.00202 and 0.00213; TOPMed 0.00250; 1000 Genomes Project 0.00339; 1000 Genomes Project 30x 0.00375.

Submission:

Illumina Laboratory Services, Illumina
Classification: Likely benign for Hyperglycinuria. Last evaluated: 2018-01-12. Review status: criteria provided, single submitter. Criteria: ICSL Variant Classification Criteria 13 December 2019. Collection method: clinical testing. Allele origin: germline.
Comment: This variant was observed in the ICSL laboratory as part of a predisposition screen in an ostensibly healthy population. It had not been previously curated by ICSL or reported in the Human Gene Mutation Database (HGMD: prior to June 1st, 2018), and was therefore a candidate for classification through an automated scoring system. Utilizing variant allele frequency, disease prevalence and penetrance estimates, and inheritance mode, an automated score was calculated to assess if this variant is too frequent to cause the disease. Based on the score and internal cut-off values, a variant classified as likely benign is not then subjected to further curation. The score for this variant resulted in a classification of likely benign for this disease.

NM_020208.4(SLC6A20):c.*1904G>A

Gene: SLC6A20 (solute carrier family 6 member 20; minus strand). Cytogenetic location: 3p21.31.
Variant type: single nucleotide variant.
Coding change: c.*1904G>A on transcript NM_020208.4 (MANE Select); 1904 bases downstream of the stop codon, G replaced by A.
Molecular consequence: 3 prime UTR variant.
Genome position (GRCh38, 1-based): chr3:45,757,074, C>T on the plus strand (G>A on the coding strand, the complement: SLC6A20 is on the minus strand). VCF-style: chr3-45757074-C-T. GRCh37 (hg19) VCF-style: chr3-45798566-C-T.
Other names: c.*1904G>A (NM_022405.4).
Identifiers: ClinVar variation 899576 (VCV000899576.4), dbSNP rs141143340, ClinGen allele CA73636788.